The following is an entry in ClinVar:

ClinVar aggregate classification (germline): Conflicting classifications of pathogenicity. Review status: criteria provided, conflicting classifications (1 of 4 stars). 3 submissions from 3 submitters: Uncertain significance (2); Likely benign (1). Last evaluated 2025-06-03.

Conditions:
Inborn genetic diseases. Identifiers: MedGen C0950123, MeSH D030342.

Allele frequency attached by ClinVar (database versions not stated): ExAC 0.00015; 1000 Genomes Project 0.00040; 1000 Genomes Project 30x 0.00031; gnomAD exomes 0.00036; ESP Exome Variant Server 0.00008.
gnomAD v4.1: 536 of 1,613,952 alleles (0.033%); highest among the groups gnomAD compares: East Asian, 0.99%; 3 homozygotes.

Submissions (3):

Mayo Clinic Laboratories, Mayo Clinic
Classification: Likely benign. Last evaluated: 2025-06-03. Review status: criteria provided, single submitter. Criteria: ACMG Guidelines, 2015. Collection method: clinical testing. Allele origin: germline. Observed: 1 variant allele.
Comment: BS1, BP4_moderate

Ambry Genetics
Classification: Uncertain significance for Inborn genetic diseases. Last evaluated: 2024-09-20. Review status: criteria provided, single submitter. Criteria: Ambry Variant Classification Scheme 2023. Collection method: clinical testing. Allele origin: germline.

Labcorp Genetics (formerly Invitae), Labcorp
Classification: Uncertain significance. Last evaluated: 2024-01-22. Review status: criteria provided, single submitter. Criteria: Invitae Variant Classification Sherloc (09022015). Collection method: clinical testing. Allele origin: germline.
Comment: This sequence change replaces valine, which is neutral and non-polar, with isoleucine, which is neutral and non-polar, at codon 865 of the CCDC88C protein (p.Val865Ile). This variant is present in population databases (rs78037497, gnomAD 0.1%). This variant has not been reported in the literature in individuals affected with CCDC88C-related conditions. ClinVar contains an entry for this variant (Variation ID: 2056077). An algorithm developed to predict the effect of missense changes on protein structure and function (PolyPhen-2) suggests that this variant¬†is likely to be tolerated. In summary, the available evidence is currently insufficient to determine the role of this variant in disease. Therefore, it has been classified as a Variant of Uncertain Significance.

NM_001080414.4(CCDC88C):c.2593G>A (p.Val865Ile)

Gene: CCDC88C (coiled-coil and HOOK domain protein 88C; minus strand). Cytogenetic location: 14q32.11.
Variant type: single nucleotide variant.
Coding change: c.2593G>A on transcript NM_001080414.4 (MANE Select); coding-DNA position 2593, G replaced by A.
Protein change: p.Val865Ile; replaces valine 865 with isoleucine.
Molecular consequence: missense variant.
Genome position (GRCh38, 1-based): chr14:91,313,223, C>T on the plus strand (G>A on the coding strand, the complement: CCDC88C is on the minus strand). VCF-style: chr14-91313223-C-T. GRCh37 (hg19) VCF-style: chr14-91779567-C-T.
Other names: p.Val865Ile; short protein forms V865I.
Identifiers: ClinVar variation 2056077 (VCV002056077.5), dbSNP rs78037497, ClinGen allele CA7309611.
Genomic context (GRCh38, chr14:91,313,223, plus strand): 5'-TGCCGGCTGCGTCCCTGCAGCGGGCCAGCTCCTTGTCCAGCGCGCGGCTCTCCTTCTCAA[C>T]GGCGGACAGTTTGGCAGTGCTATCGTCCAAGACTGCATCCTTGAGCTCCACCTGCTGCCA-3'
Protein context (NP_001073883.2, residues 855-875): LDDSTAKLSA[Val865Ile]EKESRALDKE